The following is an entry in ClinVar:

NM_001011.4(RPS7):c.367A>T (p.Thr123Ser)

Gene: RPS7 (ribosomal protein S7; plus strand). Cytogenetic location: 2p25.3.
Variant type: single nucleotide variant.
Coding change: c.367A>T on transcript NM_001011.4 (MANE Select); coding-DNA position 367, A replaced by T.
Protein change: p.Thr123Ser; replaces threonine 123 with serine.
Molecular consequence: missense variant.
Genome position (GRCh38, 1-based): chr2:3,580,120, A>T. VCF-style: chr2-3580120-A-T. GRCh37 (hg19) VCF-style: chr2-3627710-A-T.
Other names: short protein forms T123S.
Identifiers: ClinVar variation 4537562 (VCV004537562.1).

ClinVar aggregate classification (germline): Uncertain significance (1 of 4 stars; one submission).

Submission:

GeneDx
Classification: Uncertain significance. Last evaluated: 2025-06-11. Review status: criteria provided, single submitter. Criteria: GeneDx Variant Classification Process June 2021. Collection method: clinical testing. Allele origin: germline. Affected: yes.
Comment: Not observed at significant frequency in large population cohorts (gnomAD); In silico analysis supports that this missense variant has a deleterious effect on protein structure/function; Has not been previously published as pathogenic or benign to our knowledge